The following is an entry in ClinVar:

NM_172107.4(KCNQ2):c.1575C>G (p.Cys525Trp)

Gene: KCNQ2 (potassium voltage-gated channel subfamily Q member 2; minus strand). Cytogenetic location: 20q13.33.
Variant type: single nucleotide variant.
Coding change: c.1575C>G on transcript NM_172107.4 (MANE Select); coding-DNA position 1575, C replaced by G.
Protein change: p.Cys525Trp; replaces cysteine 525 with tryptophan.
Molecular consequence: missense variant.
Genome position (GRCh38, 1-based): chr20:63,414,144, G>C on the plus strand (C>G on the coding strand, the complement: KCNQ2 is on the minus strand). VCF-style: chr20-63414144-G-C. GRCh37 (hg19) VCF-style: chr20-62045497-G-C.
Other names: c.1521C>G, p.Cys507Trp (NM_001382235.1, NM_172106.3); c.1491C>G, p.Cys497Trp (NM_004518.6); c.1482C>G, p.Cys494Trp (NM_172108.5); short protein forms C525W, C507W, C494W, C497W.
Identifiers: ClinVar variation 3713604 (VCV003713604.2).

ClinVar aggregate classification (germline): Uncertain significance (1 of 4 stars; one submission).

Conditions:
Early-infantile DEE. Also called: Ohtahara syndrome; Early infantile epileptic encephalopathy with suppression bursts; Early infantile epileptic encephalopathy. Identifiers: Orphanet 1934, MedGen C0393706, MONDO:0800491.

gnomAD v4.1: 1 of 1,613,726 alleles (0.000062%); highest among the groups gnomAD compares: Non-Finnish European, 0.000085%; no homozygotes.

Submission:

Labcorp Genetics (formerly Invitae), Labcorp
Classification: Uncertain significance for Early-infantile DEE. Last evaluated: 2024-12-17. Review status: criteria provided, single submitter. Criteria: Invitae Variant Classification Sherloc (09022015). Collection method: clinical testing. Allele origin: germline.
Comment: This sequence change replaces cysteine, which is neutral and slightly polar, with tryptophan, which is neutral and slightly polar, at codon 525 of the KCNQ2 protein (p.Cys525Trp). This variant is not present in population databases (gnomAD no frequency). This variant has not been reported in the literature in individuals affected with KCNQ2-related conditions. Invitae Evidence Modeling of protein sequence and biophysical properties (such as structural, functional, and spatial information, amino acid conservation, physicochemical variation, residue mobility, and thermodynamic stability) indicates that this missense variant is expected to disrupt KCNQ2 protein function with a positive predictive value of 95%. In summary, the available evidence is currently insufficient to determine the role of this variant in disease. Therefore, it has been classified as a Variant of Uncertain Significance.